The following is an entry in ClinVar:

ClinVar aggregate classification (germline): Uncertain significance (1 of 4 stars; one submission).

Conditions:
Inborn genetic diseases. Identifiers: MedGen C0950123, MeSH D030342.

Submission:

Ambry Genetics
Classification: Uncertain significance for Inborn genetic diseases. Last evaluated: 2025-03-30. Review status: criteria provided, single submitter. Criteria: Ambry Variant Classification Scheme 2023. Collection method: clinical testing. Allele origin: germline.
Comment: The p.F41L variant (also known as c.123C>G), located in coding exon 1 of the G6PC3 gene, results from a C to G substitution at nucleotide position 123. The phenylalanine at codon 41 is replaced by leucine, an amino acid with highly similar properties. This amino acid position is conserved. In addition, this alteration is predicted to be tolerated by in silico analysis. Based on the available evidence, the clinical significance of this variant remains unclear.

NM_138387.4(G6PC3):c.123C>G (p.Phe41Leu)

Genes: G6PC3 (glucose-6-phosphatase catalytic subunit 3; plus strand), LOC130060959 (ATAC-STARR-seq lymphoblastoid active region 12250; plus strand). Cytogenetic location: 17q21.31.
Variant type: single nucleotide variant.
Coding change: c.123C>G on transcript NM_138387.4 (MANE Select); coding-DNA position 123, C replaced by G.
Protein change: p.Phe41Leu; replaces phenylalanine 41 with leucine.
Molecular consequence: missense variant. On other transcripts: 5 prime UTR variant (3), intron variant (1).
Genome position (GRCh38, 1-based): chr17:44,071,088, C>G. VCF-style: chr17-44071088-C-G. GRCh37 (hg19) VCF-style: chr17-42148456-C-G.
Other names: c.123C>G, p.Phe41Leu (NM_001319945.2); c.-282C>G (NM_001384165.1); c.-417C>G (NM_001384166.1); c.-407C>G (NM_001384167.1); c.-312+374C>G (NM_001384168.1); short protein forms F41L.
Identifiers: ClinVar variation 4027574 (VCV004027574.1).